The following is an entry in ClinVar:

ClinVar aggregate classification (germline): Likely benign (0 of 4 stars; one submission).

Conditions:
MYO16-related disorder. Also called: MYO16-related condition.

Submission:

PreventionGenetics, part of Exact Sciences
Classification: Likely benign for MYO16-related condition. Last evaluated: 2019-07-09. Review status: no assertion criteria provided. Collection method: clinical testing. Allele origin: germline.
Comment: This variant is classified as likely benign based on ACMG/AMP sequence variant interpretation guidelines (Richards et al. 2015 PMID: 25741868, with internal and published modifications).

NM_001198950.3(MYO16):c.4200C>A (p.Gly1400=)

Gene: MYO16 (myosin XVI; plus strand). Cytogenetic location: 13q33.3.
Variant type: single nucleotide variant.
Coding change: c.4200C>A on transcript NM_001198950.3 (MANE Select); coding-DNA position 4200, C replaced by A.
Protein change: p.Gly1400=; no amino-acid change (glycine 1400 retained).
Molecular consequence: synonymous variant.
Genome position (GRCh38, 1-based): chr13:109,140,412, C>A. VCF-style: chr13-109140412-C-A. GRCh37 (hg19) VCF-style: chr13-109792760-C-A.
Other names: c.4134C>A, p.Gly1378= (NM_015011.3).
Identifiers: ClinVar variation 3351045 (VCV003351045.1).